The following is an entry in ClinVar:

NM_004924.6(ACTN4):c.785C>T (p.Ser262Phe)

Gene: ACTN4 (actinin alpha 4; plus strand). Cytogenetic location: 19q13.2.
Variant type: single nucleotide variant.
Coding change: c.785C>T on transcript NM_004924.6 (MANE Select); coding-DNA position 785, C replaced by T.
Protein change: p.Ser262Phe; replaces serine 262 with phenylalanine.
Molecular consequence: missense variant. On other transcripts: intron variant (3).
Genome position (GRCh38, 1-based): chr19:38,710,308, C>T. VCF-style: chr19-38710308-C-T. GRCh37 (hg19) VCF-style: chr19-39200948-C-T.
Other names: c.785C>T, p.Ser262Phe (NM_001440296.1, NM_001440298.1); c.533C>T, p.Ser178Phe (NM_001440299.1); c.733+832C>T (NM_001411143.1, NM_001322033.2, NM_001440300.1); short protein forms S178F, S262F.
Identifiers: ClinVar variation 4995090 (VCV004995090.1).

ClinVar aggregate classification (germline): Pathogenic (1 of 4 stars; one submission).

Conditions:
ACTN4-related disorder. Also called: ACTN4-related condition.

Submission:

PreventionGenetics, part of Exact Sciences
Classification: Pathogenic for ACTN4-related condition. Last evaluated: 2026-04-05. Review status: criteria provided, single submitter. Criteria: ACMG Guidelines, 2015. Collection method: clinical testing. Allele origin: germline.
Comment: The ACTN4 c.785C>T variant is predicted to result in the amino acid substitution p.Ser262Phe. This variant was reported in individuals with focal segmental glomerulosclerosis (FSGS) (two affected siblings inherited this variant from the father who is mosaic in Choi et al. 2008. PubMed ID: 18436095; Supplementary Table S2, Park et al. 2020. PubMed ID: 32604935; Supplementary Table 1, Zhu et al. 2022. PubMed ID: 35755072). This variant has not been reported in a large population database (gnomAD), indicating this variant is rare. This variant is interpreted as pathogenic.